The following is an entry in ClinVar:

ClinVar aggregate classification (germline): Benign/Likely benign. Review status: criteria provided, multiple submitters, no conflicts (2 of 4 stars). 3 submissions from 3 submitters: Benign (1); Likely benign (2). Last evaluated 2024-07-17.

Conditions:
BAP1-related tumor predisposition syndrome (TPDS1). Also called: Tumor susceptibility linked to germline BAP1 mutations; COMMON Syndrome; TUMOR PREDISPOSITION SYNDROME 1; BAP1 tumor predisposition syndrome. Identifiers: Orphanet 289539, MedGen C3280492, MONDO:0013692, OMIM 614327.

gnomAD v4.1: 1 of 1,613,832 alleles (0.000062%); highest among the groups gnomAD compares: Non-Finnish European, 0.000085%; no homozygotes.

Submissions (3):

Myriad Genetics, Inc.
Classification: Benign for BAP1-related tumor predisposition syndrome. Last evaluated: 2024-07-17. Review status: criteria provided, single submitter. Criteria: Myriad Autosomal Dominant, Autosomal Recessive and X-Linked Classification Criteria (2023). Collection method: clinical testing. Allele origin: unknown.
Comment: This variant is considered benign. This variant is a silent/synonymous amino acid change and it is not expected to impact splicing.

Labcorp Genetics (formerly Invitae), Labcorp
Classification: Likely benign for BAP1-related tumor predisposition syndrome. Last evaluated: 2023-08-03. Review status: criteria provided, single submitter. Criteria: Invitae Variant Classification Sherloc (09022015). Collection method: clinical testing. Allele origin: germline.

GeneDx
Classification: Likely benign. Last evaluated: 2017-06-02. Review status: criteria provided, single submitter. Criteria: GeneDx Variant Classification (06012015). Collection method: clinical testing. Allele origin: germline. Affected: yes.
Comment: This variant is considered likely benign or benign based on one or more of the following criteria: it is a conservative change, it occurs at a poorly conserved position in the protein, it is predicted to be benign by multiple in silico algorithms, and/or has population frequency not consistent with disease.

NM_004656.4(BAP1):c.1708C>T (p.Leu570=)

Gene: BAP1 (BRCA1 associated deubiquitinase 1; minus strand). Cytogenetic location: 3p21.1.
Variant type: single nucleotide variant.
Coding change: c.1708C>T on transcript NM_004656.4 (MANE Select); coding-DNA position 1708, C replaced by T.
Protein change: p.Leu570=; no amino-acid change (leucine 570 retained).
Molecular consequence: synonymous variant.
Genome position (GRCh38, 1-based): chr3:52,403,437, G>A on the plus strand (C>T on the coding strand, the complement: BAP1 is on the minus strand). VCF-style: chr3-52403437-G-A. GRCh37 (hg19) VCF-style: chr3-52437453-G-A.
Identifiers: ClinVar variation 509952 (VCV000509952.9), dbSNP rs1553644806, ClinGen allele CA433885785.